The following is an entry in ClinVar:

ClinVar aggregate classification (germline): Uncertain significance (1 of 4 stars; one submission).

Allele frequency attached by ClinVar (database versions not stated): gnomAD 0.00001; TOPMed 0.00001; gnomAD exomes 0.00002 and 0.00004; ExAC 0.00007.
gnomAD v4.1: 37 of 1,613,402 alleles (0.0023%); highest among the groups gnomAD compares: South Asian, 0.038%; no homozygotes.

Submission:

Labcorp Genetics (formerly Invitae), Labcorp
Classification: Uncertain significance. Last evaluated: 2024-01-19. Review status: criteria provided, single submitter. Criteria: Invitae Variant Classification Sherloc (09022015). Collection method: clinical testing. Allele origin: germline.
Comment: This sequence change falls in intron 6 of the PLAA gene. It does not directly change the encoded amino acid sequence of the PLAA protein. It affects a nucleotide within the consensus splice site. This variant is present in population databases (rs772901054, gnomAD 0.03%). This variant has not been reported in the literature in individuals affected with PLAA-related conditions. ClinVar contains an entry for this variant (Variation ID: 1354460). Variants that disrupt the consensus splice site are a relatively common cause of aberrant splicing (PMID: 17576681, 9536098). Algorithms developed to predict the effect of sequence changes on RNA splicing suggest that this variant is not likely to affect RNA splicing. In summary, the available evidence is currently insufficient to determine the role of this variant in disease. Therefore, it has been classified as a Variant of Uncertain Significance.

Literature cited by the submitters: PubMed 17576681; PubMed 9536098.

NM_001031689.3(PLAA):c.869+5T>G

Gene: PLAA (phospholipase A2 activating protein; minus strand). Cytogenetic location: 9p21.2.
Variant type: single nucleotide variant.
Coding change: c.869+5T>G on transcript NM_001031689.3 (MANE Select); 5 bases into the intron after coding-DNA position 869, T replaced by G.
Molecular consequence: intron variant.
Genome position (GRCh38, 1-based): chr9:26,925,820, A>C on the plus strand (T>G on the coding strand, the complement: PLAA is on the minus strand). VCF-style: chr9-26925820-A-C. GRCh37 (hg19) VCF-style: chr9-26925818-A-C.
Other names: c.869+5T>G (NM_001321546.2).
Identifiers: ClinVar variation 1354460 (VCV001354460.4), dbSNP rs772901054, ClinGen allele CA5014536.